The following is an entry in ClinVar:

ClinVar aggregate classification (germline): Uncertain significance. Review status: criteria provided, multiple submitters, no conflicts (2 of 4 stars). 3 submissions from 3 submitters: Uncertain significance (3). Last evaluated 2025-07-15.

Conditions:
Cardiovascular phenotype. Identifiers: MedGen CN230736.
Cardiomyopathy (CMYO). Also called: Cardiomyopathies. Identifiers: Orphanet 167848, MedGen C0878544, MONDO:0004994, HP:0001638. Inheritance: Various modes of inheritance.
Catecholaminergic polymorphic ventricular tachycardia 1. Also called: VENTRICULAR TACHYCARDIA, CATECHOLAMINERGIC POLYMORPHIC, 1, WITH OR WITHOUT ATRIAL DYSFUNCTION AND/OR DILATED CARDIOMYOPATHY; RYR2-Related Catecholaminergic Polymorphic Ventricular Tachycardia; VENTRICULAR TACHYCARDIA, STRESS-INDUCED POLYMORPHIC 1. Identifiers: Orphanet 3286, MedGen C1631597, MONDO:0011484, OMIM 604772.

Allele frequency attached by ClinVar (database versions not stated): gnomAD exomes below 0.00001; TOPMed below 0.00001; gnomAD 0.00001.
gnomAD v4.1: 7 of 1,553,962 alleles (0.00045%); highest among the groups gnomAD compares: South Asian, 0.0024%; no homozygotes.

Submissions (3):

Ambry Genetics
Classification: Uncertain significance for Cardiovascular phenotype. Last evaluated: 2025-07-15. Review status: criteria provided, single submitter. Criteria: Ambry Variant Classification Scheme 2023. Collection method: clinical testing. Allele origin: germline.
Comment: The p.I3870V variant (also known as c.11608A>G), located in coding exon 86 of the RYR2 gene, results from an A to G substitution at nucleotide position 11608. The isoleucine at codon 3870 is replaced by valine, an amino acid with highly similar properties. This amino acid position is highly conserved in available vertebrate species. In addition, the in silico prediction for this alteration is inconclusive. Based on the available evidence, the clinical significance of this variant remains unclear.

Labcorp Genetics (formerly Invitae), Labcorp
Classification: Uncertain significance for Catecholaminergic polymorphic ventricular tachycardia 1. Last evaluated: 2024-08-10. Review status: criteria provided, single submitter. Criteria: Invitae Variant Classification Sherloc (09022015). Collection method: clinical testing. Allele origin: germline.
Comment: This sequence change replaces isoleucine, which is neutral and non-polar, with valine, which is neutral and non-polar, at codon 3870 of the RYR2 protein (p.Ile3870Val). This variant is not present in population databases (gnomAD no frequency). This variant has not been reported in the literature in individuals affected with RYR2-related conditions. ClinVar contains an entry for this variant (Variation ID: 920196). Advanced modeling of protein sequence and biophysical properties (such as structural, functional, and spatial information, amino acid conservation, physicochemical variation, residue mobility, and thermodynamic stability) performed at Invitae indicates that this missense variant is not expected to disrupt RYR2 protein function with a negative predictive value of 95%. In summary, the available evidence is currently insufficient to determine the role of this variant in disease. Therefore, it has been classified as a Variant of Uncertain Significance.

Color Diagnostics, LLC DBA Color Health
Classification: Uncertain significance for Cardiomyopathy. Last evaluated: 2024-03-07. Review status: criteria provided, single submitter. Criteria: ACMG Guidelines, 2015. Collection method: clinical testing. Allele origin: germline.
Comment: This missense variant replaces isoleucine with valine at codon 3870 of the RYR2 protein. Computational prediction suggests that this variant may not impact protein structure and function (internally defined REVEL score threshold <= 0.5, PMID: 27666373). Splice site prediction tools suggest that this variant may impact RNA splicing. To our knowledge, functional studies have not been reported for this variant. This variant has not been reported in individuals affected with cardiovascular disorders in the literature. This variant has not been identified in the general population by the Genome Aggregation Database (gnomAD). The available evidence is insufficient to determine the role of this variant in disease conclusively. Therefore, this variant is classified as a Variant of Uncertain Significance.

NM_001035.3(RYR2):c.11608A>G (p.Ile3870Val)

Gene: RYR2 (ryanodine receptor 2; plus strand). Cytogenetic location: 1q43.
Variant type: single nucleotide variant.
Coding change: c.11608A>G on transcript NM_001035.3 (MANE Select); coding-DNA position 11608, A replaced by G.
Protein change: p.Ile3870Val; replaces isoleucine 3870 with valine.
Molecular consequence: missense variant.
Genome position (GRCh38, 1-based): chr1:237,772,062, A>G. VCF-style: chr1-237772062-A-G. GRCh37 (hg19) VCF-style: chr1-237935362-A-G.
Other names: c.11608A>G (NM_001035.2); short protein forms I3870V.
Identifiers: ClinVar variation 920196 (VCV000920196.14), dbSNP rs1333353951, ClinGen allele CA345407155.
Genomic context (GRCh38, chr1:237,772,062, plus strand): 5'-TCTTGCATAGATTTTCAGAATTATCTGAGAACTCAGACTGGCAATAATACAACTGTCAAC[A>G]TAATTATCTCCACTGTAGACTACCTACTGAGAGTTCAGGTATGTTGCTTTCCATATTAGT-3'
Protein context (NP_001026.2, residues 3860-3880): TQTGNNTTVN[Ile3870Val]IISTVDYLLR